The following is an entry in ClinVar:

ClinVar aggregate classification (germline): Uncertain significance (1 of 4 stars; one submission).

Conditions:
COG1 congenital disorder of glycosylation (CDG2G). Also called: CONGENITAL DISORDER OF GLYCOSYLATION, TYPE IIg; CDG IIg; CDGII/COG1 CEREBROCOSTOMANDIBULAR-LIKE SYNDROME. Identifiers: Orphanet 263508, MedGen C2931011, MONDO:0012637, OMIM 611209.

Allele frequency attached by ClinVar (database versions not stated): gnomAD exomes 0.00002 and 0.00004; TOPMed 0.00002; ExAC 0.00004; gnomAD 0.00004; ESP Exome Variant Server 0.00008; 1000 Genomes Project 0.00020; 1000 Genomes Project 30x 0.00031.
gnomAD v4.1: 40 of 1,614,000 alleles (0.0025%); highest among the groups gnomAD compares: South Asian, 0.0099%; no homozygotes.

Submission:

Labcorp Genetics (formerly Invitae), Labcorp
Classification: Uncertain significance for COG1 congenital disorder of glycosylation. Last evaluated: 2022-08-23. Review status: criteria provided, single submitter. Criteria: Invitae Variant Classification Sherloc (09022015). Collection method: clinical testing. Allele origin: germline.
Comment: This sequence change falls in intron 7 of the COG1 gene. It does not directly change the encoded amino acid sequence of the COG1 protein. It affects a nucleotide within the consensus splice site. This variant is present in population databases (rs372888977, gnomAD 0.01%). This variant has not been reported in the literature in individuals affected with COG1-related conditions. ClinVar contains an entry for this variant (Variation ID: 1415427). Variants that disrupt the consensus splice site are a relatively common cause of aberrant splicing (PMID: 17576681, 9536098). Algorithms developed to predict the effect of sequence changes on RNA splicing suggest that this variant may disrupt the consensus splice site. In summary, the available evidence is currently insufficient to determine the role of this variant in disease. Therefore, it has been classified as a Variant of Uncertain Significance.

Literature cited by the submitters: PubMed 17576681; PubMed 9536098.

NM_018714.3(COG1):c.2074-3C>G

Gene: COG1 (component of oligomeric golgi complex 1; plus strand). Cytogenetic location: 17q25.1.
Variant type: single nucleotide variant.
Coding change: c.2074-3C>G on transcript NM_018714.3 (MANE Select); 3 bases into the intron before coding-DNA position 2074, C replaced by G.
Molecular consequence: intron variant.
Genome position (GRCh38, 1-based): chr17:73,202,997, C>G. VCF-style: chr17-73202997-C-G. GRCh37 (hg19) VCF-style: chr17-71199136-C-G.
Identifiers: ClinVar variation 1415427 (VCV001415427.3), dbSNP rs372888977, ClinGen allele CA8740366.
Genomic context (GRCh38, chr17:73,202,997, plus strand): 5'-GTTTTAAAGAAACTCTACAGAGGATCTGAGTGGCTTGTATGGATATCTGCCTTTTATTAC[C>G]AGGTTTTGATTCATGGATTCACCCAGTCATTACTTCTAGATGATGCTGGCTCAGTTCTGG-3'